The following is an entry in ClinVar:

ClinVar aggregate classification (germline): Uncertain significance (1 of 4 stars; one submission).

Allele frequency attached by ClinVar (database versions not stated): TOPMed below 0.00001; ExAC 0.00001; gnomAD 0.00001; gnomAD exomes 0.00001; 1000 Genomes Project 30x 0.00031; 1000 Genomes Project 0.00040.
gnomAD v4.1: 20 of 1,609,264 alleles (0.0012%); highest among the groups gnomAD compares: Admixed American, 0.012%; no homozygotes.

Submission:

Labcorp Genetics (formerly Invitae), Labcorp
Classification: Uncertain significance. Last evaluated: 2023-10-05. Review status: criteria provided, single submitter. Criteria: Invitae Variant Classification Sherloc (09022015). Collection method: clinical testing. Allele origin: germline.
Comment: This sequence change replaces asparagine, which is neutral and polar, with serine, which is neutral and polar, at codon 900 of the SI protein (p.Asn900Ser). This variant is present in population databases (rs565258890, gnomAD 0.006%). This variant has not been reported in the literature in individuals affected with SI-related conditions. Algorithms developed to predict the effect of missense changes on protein structure and function output the following: SIFT: "Not Available"; PolyPhen-2: "Benign"; Align-GVGD: "Not Available". The serine amino acid residue is found in multiple mammalian species, which suggests that this missense change does not adversely affect protein function. In summary, the available evidence is currently insufficient to determine the role of this variant in disease. Therefore, it has been classified as a Variant of Uncertain Significance.

NM_001041.4(SI):c.2699A>G (p.Asn900Ser)

Gene: SI (sucrase-isomaltase; minus strand). Cytogenetic location: 3q26.1.
Variant type: single nucleotide variant.
Coding change: c.2699A>G on transcript NM_001041.4 (MANE Select); coding-DNA position 2699, A replaced by G.
Protein change: p.Asn900Ser; replaces asparagine 900 with serine.
Molecular consequence: missense variant.
Genome position (GRCh38, 1-based): chr3:165,032,559, T>C on the plus strand (A>G on the coding strand, the complement: SI is on the minus strand). VCF-style: chr3-165032559-T-C. GRCh37 (hg19) VCF-style: chr3-164750347-T-C.
Other names: short protein forms N900S.
Identifiers: ClinVar variation 2973949 (VCV002973949.1), dbSNP rs565258890, ClinGen allele CA2690569.
Genomic context (GRCh38, chr3:165,032,559, plus strand): 5'-ATATTTTAAAAGATTGTAATTACCTGGTTAGAAGCATCATAAGTGAAATTGGAATGAGCG[T>C]TCATTGGTTGATTATTTTCCGCCACTCTAACTTCTGTAACACTGTCTGTCAACCCAAGGA-3'
Protein context (NP_001032.2, residues 890-910): VRVAENNQPM[Asn900Ser]AHSNFTYDAS